The following is an entry in ClinVar:

NM_000264.5(PTCH1):c.4196C>G (p.Pro1399Arg)

Gene: PTCH1 (patched 1; minus strand). Cytogenetic location: 9q22.32.
Variant type: single nucleotide variant.
Coding change: c.4196C>G on transcript NM_000264.5 (MANE Select); coding-DNA position 4196, C replaced by G.
Protein change: p.Pro1399Arg; replaces proline 1399 with arginine.
Molecular consequence: missense variant. On other transcripts: non-coding transcript variant (1).
Genome position (GRCh38, 1-based): chr9:95,447,060, G>C on the plus strand (C>G on the coding strand, the complement: PTCH1 is on the minus strand). VCF-style: chr9-95447060-G-C. GRCh37 (hg19) VCF-style: chr9-98209342-G-C.
Other names: c.3998C>G, p.Pro1333Arg (NM_001083602.3); c.4193C>G, p.Pro1398Arg (NM_001083603.3); c.3743C>G, p.Pro1248Arg (NM_001083604.3, NM_001083605.3, NM_001083606.3 and 1 more transcripts); c.4040C>G, p.Pro1347Arg (NM_001354918.2); short protein forms P1248R, P1347R, P1399R, P1333R, P1398R.
Identifiers: ClinVar variation 3311181 (VCV003311181.1).
Genomic context (GRCh38, chr9:95,447,060, plus strand): 5'-CGGACGTGGAAAGGCACGTGGGGGTCCTCAAACAGGCCGTGGTCAGTCTCAGGGTAGCCT[G>C]GGCAGAGTCCCCCTCGGGGGTTCCGCCCAGGCCCAGGGACAGGCGGCGGGTGCACGGCGA-3'
Protein context (NP_000255.2, residues 1389-1409): PGRNPRGGLC[Pro1399Arg]GYPETDHGLF

ClinVar aggregate classification (germline): Uncertain significance (1 of 4 stars; one submission).

Conditions:
Hereditary cancer-predisposing syndrome. Also called: Neoplastic Syndromes, Hereditary; Tumor predisposition; Hereditary neoplastic syndrome; Hereditary Cancer Syndrome. Identifiers: Orphanet 140162, MedGen C0027672, MeSH D009386, MONDO:0015356.

Submission:

Ambry Genetics
Classification: Uncertain significance for Hereditary cancer-predisposing syndrome. Last evaluated: 2024-05-18. Review status: criteria provided, single submitter. Criteria: Ambry Variant Classification Scheme 2023. Collection method: clinical testing. Allele origin: germline.
Comment: The p.P1399R variant (also known as c.4196C>G), located in coding exon 23 of the PTCH1 gene, results from a C to G substitution at nucleotide position 4196. The proline at codon 1399 is replaced by arginine, an amino acid with dissimilar properties. This amino acid position is conserved. In addition, the in silico prediction for this alteration is inconclusive. Based on the available evidence, the clinical significance of this variant remains unclear.